The following is an entry in ClinVar:

ClinVar aggregate classification (germline): Conflicting classifications of pathogenicity. Review status: criteria provided, conflicting classifications (1 of 4 stars). 2 submissions from 2 submitters: Uncertain significance (1); Likely benign (1). Last evaluated 2025-10-27.

Conditions:
Cardiovascular phenotype. Identifiers: MedGen CN230736.
Long QT syndrome (LQTS). Identifiers: MedGen C0023976, MeSH D008133, MONDO:0002442. Disease mechanism: loss of function. Inheritance: Various modes of inheritance.

Allele frequency attached by ClinVar (database versions not stated): TOPMed 0.00004; ExAC 0.00012; 1000 Genomes Project 30x 0.00141; 1000 Genomes Project 0.00160.
gnomAD v4.1: 35 of 1,614,058 alleles (0.0022%); highest among the groups gnomAD compares: East Asian, 0.067%; no homozygotes.

Submissions (2):

Labcorp Genetics (formerly Invitae), Labcorp
Classification: Likely benign for Long QT syndrome. Last evaluated: 2025-10-27. Review status: criteria provided, single submitter. Criteria: Invitae Variant Classification Sherloc (09022015). Collection method: clinical testing. Allele origin: germline.

Ambry Genetics
Classification: Uncertain significance for Cardiovascular phenotype. Last evaluated: 2021-12-16. Review status: criteria provided, single submitter. Criteria: Ambry Variant Classification Scheme 2023. Collection method: clinical testing. Allele origin: germline.
Comment: The p.E147D variant (also known as c.441A>T), located in coding exon 5 of the AKAP9 gene, results from an A to T substitution at nucleotide position 441. The glutamic acid at codon 147 is replaced by aspartic acid, an amino acid with highly similar properties. This amino acid position is conserved. In addition, this alteration is predicted to be tolerated by in silico analysis. Since supporting evidence is limited at this time, the clinical significance of this alteration remains unclear.

NM_005751.5(AKAP9):c.441A>T (p.Glu147Asp)

Gene: AKAP9 (A-kinase anchoring protein 9; plus strand). Cytogenetic location: 7q21.2.
Variant type: single nucleotide variant.
Coding change: c.441A>T on transcript NM_005751.5 (MANE Select); coding-DNA position 441, A replaced by T.
Protein change: p.Glu147Asp; replaces glutamic acid 147 with aspartic acid.
Molecular consequence: missense variant.
Genome position (GRCh38, 1-based): chr7:91,992,920, A>T. VCF-style: chr7-91992920-A-T. GRCh37 (hg19) VCF-style: chr7-91622234-A-T.
Other names: c.441A>T, p.Glu147Asp (NM_147185.3); short protein forms E147D.
Identifiers: ClinVar variation 457102 (VCV000457102.12), dbSNP rs185898118, ClinGen allele CA4335816.
Genomic context (GRCh38, chr7:91,992,920, plus strand): 5'-TCTTTAAAATCTTGGATTGATTTAGGAAGAAGAATTTGGTGTTGATGATTCTTATTCTGA[A>T]CAAGGAGCACAAGACAGTCCGACTCATCTAGAGATGATGGAAAGTGAGTTGGCTGGGAAG-3'
Protein context (NP_005742.4, residues 137-157): EEFGVDDSYS[Glu147Asp]QGAQDSPTHL